The following is an entry in ClinVar:

NM_001127222.2(CACNA1A):c.6653_6658del (p.His2218_His2219del)

Gene: CACNA1A (calcium voltage-gated channel subunit alpha1 A; minus strand). Cytogenetic location: 19p13.13.
Variant type: Deletion.
Coding change: c.6653_6658del on transcript NM_001127222.2 (MANE Select); coding-DNA positions 6653 to 6658, 6 bases deleted (ACCATC; older notation c.6653_6658delACCATC).
Protein change: p.His2218_His2219del.
Molecular consequence: inframe deletion.
Genome position (GRCh38, 1-based): chr19:13,208,878-13,208,883, GATGGT deleted on the plus strand (ACCATC on the coding strand, the reverse complement: CACNA1A is on the minus strand); deleting any 6 consecutive bases within chr19:13,208,878-13,208,884 gives the same sequence; the c. name uses the placement nearest the transcript's 3' end. VCF-style (leftmost placement, unchanged base first): chr19-13208877-GGATGGT-G. GRCh37 (hg19) VCF-style: chr19-13319691-GGATGGT-G.
Other names: c.6671_6676del, p.His2224_His2225del (NM_000068.4, NM_023035.3); c.6656_6661del, p.His2219_His2220del (NM_001127221.2); c.6662_6667del, p.His2221_His2222del (NM_001174080.2); c.6656_6661delACCATC (NM_001127221.1).
Identifiers: ClinVar variation 418101 (VCV000418101.7), dbSNP rs774721955, ClinGen allele CA9239300.

ClinVar aggregate classification (germline): Conflicting classifications of pathogenicity. Review status: criteria provided, conflicting classifications (1 of 4 stars). 3 submissions from 3 submitters: Uncertain significance (1); Likely benign (2). Last evaluated 2019-01-25.

Conditions:
Inborn genetic diseases. Identifiers: MedGen C0950123, MeSH D030342.

Submissions (3):

Ambry Genetics
Classification: Likely benign for Inborn genetic diseases. Last evaluated: 2019-01-25. Review status: criteria provided, single submitter. Criteria: Ambry Variant Classification Scheme 2023. Collection method: clinical testing. Allele origin: germline.

Eurofins Ntd Llc (ga)
Classification: Uncertain significance. Last evaluated: 2016-10-25. Review status: criteria provided, single submitter. Criteria: EGL Classification Definitions 2015. Collection method: clinical testing. Allele origin: germline. Observed: 1 variant allele, 1 heterozygote.

GeneDx
Classification: Likely benign. Last evaluated: 2016-10-14. Review status: criteria provided, single submitter. Criteria: GeneDx Variant Classification (06012015). Collection method: clinical testing. Allele origin: germline. Affected: yes.
Comment: This variant is considered likely benign or benign based on one or more of the following criteria: it is a conservative change, it occurs at a poorly conserved position in the protein, it is predicted to be benign by multiple in silico algorithms, and/or has population frequency not consistent with disease.